The following is an entry in ClinVar:

NM_015046.7(SETX):c.7943C>T (p.Ser2648Phe)

Gene: SETX (senataxin; minus strand). Cytogenetic location: 9q34.13.
Variant type: single nucleotide variant.
Coding change: c.7943C>T on transcript NM_015046.7 (MANE Select); coding-DNA position 7943, C replaced by T.
Protein change: p.Ser2648Phe; replaces serine 2648 with phenylalanine.
Molecular consequence: missense variant.
Genome position (GRCh38, 1-based): chr9:132,264,330, G>A on the plus strand (C>T on the coding strand, the complement: SETX is on the minus strand). VCF-style: chr9-132264330-G-A. GRCh37 (hg19) VCF-style: chr9-135139717-G-A.
Other names: c.7943C>T (NM_015046.5); c.7943C>T, p.Ser2648Phe (NM_001351527.2); c.8030C>T, p.Ser2677Phe (NM_001351528.2); short protein forms S2648F, S2677F.
Identifiers: ClinVar variation 440264 (VCV000440264.10), dbSNP rs1014113627, ClinGen allele CA200793208.
Genomic context (GRCh38, chr9:132,264,330, plus strand): 5'-TCCTCCTGCTCCAGTGTCCTCTTGTCCCACCTAGAGTTCCTCCTGGTGTGATGGGTCTCG[G>A]AACCACACTTCTCCTGCTCCCCTTCACTGAAAGCCCTGGCCTCTCTCCTGTGACAGAGCT-3'
Protein context (NP_055861.3, residues 2638-2658): FSEGEQEKCG[Ser2648Phe]ETHHTRRNSR

ClinVar aggregate classification (germline): Uncertain significance. Review status: criteria provided, multiple submitters, no conflicts (2 of 4 stars). 3 submissions from 3 submitters: Uncertain significance (3). Last evaluated 2025-09-24.

Conditions:
Inborn genetic diseases. Identifiers: MedGen C0950123, MeSH D030342.

Allele frequency attached by ClinVar (database versions not stated): gnomAD exomes below 0.00001; TOPMed 0.00001.
gnomAD v4.1: 2 of 1,614,126 alleles (0.00012%); highest among the groups gnomAD compares: Non-Finnish European, 0.00017%; no homozygotes.

Submissions (3):

Athena Diagnostics
Classification: Uncertain significance. Last evaluated: 2025-09-24. Review status: criteria provided, single submitter. Criteria: Athena Diagnostics Criteria. Collection method: clinical testing. Allele origin: unknown.
Comment: Available data are insufficient to determine the clinical significance of the variant at this time. This variant has not been reported in large, multi-ethnic general populations. Polyphen and MutationTaster predict this amino acid change may be benign.

Ambry Genetics
Classification: Uncertain significance for Inborn genetic diseases. Last evaluated: 2023-10-30. Review status: criteria provided, single submitter. Criteria: Ambry Variant Classification Scheme 2023. Collection method: clinical testing. Allele origin: germline.

ARUP Laboratories, Molecular Genetics and Genomics, ARUP Laboratories
Classification: Uncertain significance. Last evaluated: 2016-11-10. Review status: criteria provided, single submitter. Criteria: ARUP Molecular Germline Variant Investigation Process. Collection method: clinical testing. Allele origin: germline.